The following is an entry in ClinVar:

ClinVar aggregate classification (germline): Conflicting classifications of pathogenicity. Review status: criteria provided, conflicting classifications (1 of 4 stars). 5 submissions from 5 submitters: Uncertain significance (1); Likely benign (4). Last evaluated 2026-05-01.

Conditions:
Congenital myasthenic syndrome 4A. Also called: Myasthenic syndrome, congenital, 4a, slow-channel; MYASTHENIC SYNDROME, CONGENITAL, 4A, SLOW-CHANNEL, AUTOSOMAL RECESSIVE; CONGENITAL MYASTHENIC SYNDROME TYPE Ia1. Identifiers: Orphanet 590, MedGen C4225413, MONDO:0011600, OMIM 605809.
Congenital myasthenic syndrome (CMS). Also called: Congenital Myasthenic Syndromes. Identifiers: Orphanet 590, MedGen C0751882, MeSH D020294, MONDO:0018940.

Allele frequency attached by ClinVar (database versions not stated): 1000 Genomes Project 0.00020; 1000 Genomes Project 30x 0.00031; gnomAD exomes 0.00031 and 0.00067; ExAC 0.00035; TOPMed 0.00039; gnomAD 0.00043 and 0.00045; ESP Exome Variant Server 0.00046.
gnomAD v4.1: 1,035 of 1,610,888 alleles (0.064%); highest among the groups gnomAD compares: Non-Finnish European, 0.084%; 1 homozygote.

Submissions (5):

CeGaT Center for Human Genetics Tuebingen
Classification: Likely benign. Last evaluated: 2026-05-01. Review status: criteria provided, single submitter. Criteria: CeGaT Center For Human Genetics Tuebingen Variant Classification Criteria Version 2. Collection method: clinical testing. Allele origin: germline. Affected: yes. Observed: 1 variant allele.
Comment: CHRNE: BP4, BP7

Labcorp Genetics (formerly Invitae), Labcorp
Classification: Likely benign for Congenital myasthenic syndrome 4A. Last evaluated: 2026-01-25. Review status: criteria provided, single submitter. Criteria: Invitae Variant Classification Sherloc (09022015). Collection method: clinical testing. Allele origin: germline.

Mayo Clinic Laboratories, Mayo Clinic
Classification: Likely benign. Last evaluated: 2025-07-21. Review status: criteria provided, single submitter. Criteria: ACMG Guidelines, 2015. Collection method: clinical testing. Allele origin: germline. Observed: 1 variant allele.
Comment: BP4, BP7

Blueprint Genetics
Classification: Likely benign. Last evaluated: 2024-08-08. Review status: criteria provided, single submitter. Criteria: ACMG Guidelines, 2015. Collection method: clinical testing. Allele origin: germline.

Illumina Laboratory Services, Illumina
Classification: Uncertain significance for Congenital myasthenic syndrome. Last evaluated: 2018-01-13. Review status: criteria provided, single submitter. Criteria: ICSL Variant Classification Criteria 13 December 2019. Collection method: clinical testing. Allele origin: germline.

NM_000080.4(CHRNE):c.1245C>T (p.Ala415=)

Gene: CHRNE (cholinergic receptor nicotinic epsilon subunit; minus strand). Cytogenetic location: 17p13.2.
Variant type: single nucleotide variant.
Coding change: c.1245C>T on transcript NM_000080.4 (MANE Select); coding-DNA position 1245, C replaced by T.
Protein change: p.Ala415=; no amino-acid change (alanine 415 retained).
Molecular consequence: synonymous variant.
Genome position (GRCh38, 1-based): chr17:4,899,082, G>A on the plus strand (C>T on the coding strand, the complement: CHRNE is on the minus strand). VCF-style: chr17-4899082-G-A. GRCh37 (hg19) VCF-style: chr17-4802377-G-A.
Other names: p.Ala415=; c.1245C>T, p.Ala415= (LRG_1254t1).
Identifiers: ClinVar variation 465858 (VCV000465858.20), dbSNP rs202051373, ClinGen allele CA8313924.